The following is an entry in ClinVar:

NM_000843.4(GRM6):c.2203C>A (p.Pro735Thr)

Genes: GRM6 (glutamate metabotropic receptor 6; minus strand), ZNF454 (zinc finger protein 454; plus strand). Cytogenetic location: 5q35.3.
Variant type: single nucleotide variant.
Coding change: c.2203C>A on transcript NM_000843.4 (MANE Select); coding-DNA position 2203, C replaced by A.
Protein change: p.Pro735Thr; replaces proline 735 with threonine.
Molecular consequence: missense variant.
Genome position (GRCh38, 1-based): chr5:178,983,143, G>T on the plus strand (C>A on the coding strand, the complement: GRM6 is on the minus strand). VCF-style: chr5-178983143-G-T. GRCh37 (hg19) VCF-style: chr5-178410144-G-T.
Other names: short protein forms P735T.
Identifiers: ClinVar variation 941367 (VCV000941367.7), dbSNP rs375886848, ClinGen allele CA3593603.

ClinVar aggregate classification (germline): Uncertain significance. Review status: criteria provided, multiple submitters, no conflicts (2 of 4 stars). 2 submissions from 2 submitters: Uncertain significance (2). Last evaluated 2023-12-11.

Conditions:
Inborn genetic diseases. Identifiers: MedGen C0950123, MeSH D030342.

Allele frequency attached by ClinVar (database versions not stated): gnomAD 0.00002; ExAC 0.00004; ESP Exome Variant Server 0.00008; gnomAD exomes 0.00003; TOPMed 0.00002.
gnomAD v4.1: 77 of 1,613,872 alleles (0.0048%); highest among the groups gnomAD compares: Non-Finnish European, 0.0064%; no homozygotes.

Submissions (2):

Ambry Genetics
Classification: Uncertain significance for Inborn genetic diseases. Last evaluated: 2023-12-11. Review status: criteria provided, single submitter. Criteria: Ambry Variant Classification Scheme 2023. Collection method: clinical testing. Allele origin: germline.

Labcorp Genetics (formerly Invitae), Labcorp
Classification: Uncertain significance. Last evaluated: 2022-06-20. Review status: criteria provided, single submitter. Criteria: Invitae Variant Classification Sherloc (09022015). Collection method: clinical testing. Allele origin: germline.
Comment: This sequence change replaces proline, which is neutral and non-polar, with threonine, which is neutral and polar, at codon 735 of the GRM6 protein (p.Pro735Thr). This variant is present in population databases (rs375886848, gnomAD 0.005%). This variant has not been reported in the literature in individuals affected with GRM6-related conditions. ClinVar contains an entry for this variant (Variation ID: 941367). Algorithms developed to predict the effect of missense changes on protein structure and function (SIFT, PolyPhen-2, Align-GVGD) all suggest that this variant is likely to be disruptive. In summary, the available evidence is currently insufficient to determine the role of this variant in disease. Therefore, it has been classified as a Variant of Uncertain Significance.